The following is an entry in ClinVar:

NM_014629.4(ARHGEF10):c.1606A>G (p.Met536Val)

Gene: ARHGEF10 (Rho guanine nucleotide exchange factor 10; plus strand). Cytogenetic location: 8p23.3.
Variant type: single nucleotide variant.
Coding change: c.1606A>G on transcript NM_014629.4 (MANE Select); coding-DNA position 1606, A replaced by G.
Protein change: p.Met536Val; replaces methionine 536 with valine.
Molecular consequence: missense variant.
Genome position (GRCh38, 1-based): chr8:1,898,481, A>G. VCF-style: chr8-1898481-A-G. GRCh37 (hg19) VCF-style: chr8-1846647-A-G.
Other names: c.1492A>G, p.Met498Val (NM_001308152.2); c.1606A>G, p.Met536Val (NM_001308153.3); short protein forms M560V, M498V, M536V.
Identifiers: ClinVar variation 1377645 (VCV001377645.6), dbSNP rs377263906, ClinGen allele CA4600471.

ClinVar aggregate classification (germline): Uncertain significance (1 of 4 stars; one submission).

Allele frequency attached by ClinVar (database versions not stated): gnomAD exomes below 0.00001; ExAC 0.00001; gnomAD 0.00001; TOPMed 0.00002.
gnomAD v4.1: 7 of 1,614,042 alleles (0.00043%); highest among the groups gnomAD compares: African/African-American, 0.0027%; no homozygotes.

Submission:

Labcorp Genetics (formerly Invitae), Labcorp
Classification: Uncertain significance. Last evaluated: 2023-05-01. Review status: criteria provided, single submitter. Criteria: Invitae Variant Classification Sherloc (09022015). Collection method: clinical testing. Allele origin: germline.
Comment: This sequence change replaces methionine, which is neutral and non-polar, with valine, which is neutral and non-polar, at codon 536 of the ARHGEF10 protein (p.Met536Val). This variant is present in population databases (rs377263906, gnomAD 0.006%). This variant has not been reported in the literature in individuals affected with ARHGEF10-related conditions. ClinVar contains an entry for this variant (Variation ID: 1377645). An algorithm developed to predict the effect of missense changes on protein structure and function (PolyPhen-2) suggests that this variant is likely to be tolerated. In summary, the available evidence is currently insufficient to determine the role of this variant in disease. Therefore, it has been classified as a Variant of Uncertain Significance.